The following is an entry in ClinVar:

ClinVar aggregate classification (germline): Uncertain significance (1 of 4 stars; one submission).

Allele frequency attached by ClinVar (database versions not stated): gnomAD 0.00002; gnomAD exomes 0.00006; ExAC 0.00009.
gnomAD v4.1: 96 of 1,613,574 alleles (0.0059%); highest among the groups gnomAD compares: Non-Finnish European, 0.0055%; no homozygotes.

Submission:

Labcorp Genetics (formerly Invitae), Labcorp
Classification: Uncertain significance. Last evaluated: 2024-10-28. Review status: criteria provided, single submitter. Criteria: Invitae Variant Classification Sherloc (09022015). Collection method: clinical testing. Allele origin: germline.
Comment: This sequence change replaces glycine, which is neutral and non-polar, with aspartic acid, which is acidic and polar, at codon 156 of the WARS2 protein (p.Gly156Asp). This variant is present in population databases (rs140008988, gnomAD 0.03%). This variant has not been reported in the literature in individuals affected with WARS2-related conditions. ClinVar contains an entry for this variant (Variation ID: 1979725). Invitae Evidence Modeling of protein sequence and biophysical properties (such as structural, functional, and spatial information, amino acid conservation, physicochemical variation, residue mobility, and thermodynamic stability) indicates that this missense variant is expected to disrupt WARS2 protein function with a positive predictive value of 80%. In summary, the available evidence is currently insufficient to determine the role of this variant in disease. Therefore, it has been classified as a Variant of Uncertain Significance.

NM_015836.4(WARS2):c.467G>A (p.Gly156Asp)

Gene: WARS2 (tryptophanyl tRNA synthetase 2, mitochondrial; minus strand). Cytogenetic location: 1p12.
Variant type: single nucleotide variant.
Coding change: c.467G>A on transcript NM_015836.4 (MANE Select); coding-DNA position 467, G replaced by A.
Protein change: p.Gly156Asp; replaces glycine 156 with aspartic acid.
Molecular consequence: missense variant. On other transcripts: intron variant (1).
Genome position (GRCh38, 1-based): chr1:119,042,312, C>T on the plus strand (G>A on the coding strand, the complement: WARS2 is on the minus strand). VCF-style: chr1-119042312-C-T. GRCh37 (hg19) VCF-style: chr1-119584935-C-T.
Other names: c.398G>A, p.Gly133Asp (NM_001378226.1, NM_001378227.1); c.296G>A, p.Gly99Asp (NM_001378228.1); c.209G>A, p.Gly70Asp (NM_001378229.1); c.185G>A, p.Gly62Asp (NM_001378230.1); c.467G>A, p.Gly156Asp (NM_201263.2); c.429+3270G>A (NM_001378231.1); short protein forms G70D, G133D, G156D, G62D, G99D.
Identifiers: ClinVar variation 1979725 (VCV001979725.4), dbSNP rs140008988, ClinGen allele CA1035309.